The following is an entry in ClinVar:

NM_153717.3(EVC):c.1652C>T (p.Pro551Leu)

Gene: EVC (EvC ciliary complex subunit 1; plus strand). Cytogenetic location: 4p16.2.
Variant type: single nucleotide variant.
Coding change: c.1652C>T on transcript NM_153717.3 (MANE Select); coding-DNA position 1652, C replaced by T.
Protein change: p.Pro551Leu; replaces proline 551 with leucine.
Molecular consequence: missense variant.
Genome position (GRCh38, 1-based): chr4:5,783,640, C>T. VCF-style: chr4-5783640-C-T. GRCh37 (hg19) VCF-style: chr4-5785367-C-T.
Other names: c.1652C>T, p.Pro551Leu (NM_001306090.2); short protein forms P551L.
Identifiers: ClinVar variation 497216 (VCV000497216.9), dbSNP rs371682994, ClinGen allele CA2836210.
Genomic context (GRCh38, chr4:5,783,640, plus strand): 5'-TCCAGAAGTTCGTGGATGCCCTGTTCCTTCAGACGCTCCCTGGCATGACTGGCCTCCCCC[C>T]GGAAGAGTGTGACTACTTGAGGCAGGAAGTCCAGGAGAACGCTGCCTGGCAGCTGGGGAA-3'
Protein context (NP_714928.1, residues 541-561): QTLPGMTGLP[Pro551Leu]EECDYLRQEV

ClinVar aggregate classification (germline): Uncertain significance. Review status: criteria provided, multiple submitters, no conflicts (2 of 4 stars). 4 submissions from 4 submitters: Uncertain significance (3). 1 of the submissions does not count toward it. Last evaluated 2024-01-03.

Conditions:
Inborn genetic diseases. Identifiers: MedGen C0950123, MeSH D030342.
Ellis-van Creveld syndrome (EVC). Also called: MESOECTODERMAL DYSPLASIA; Chondroectodermal dysplasia; EVC-Related Ellis-van Creveld Syndrome; EVC2-Related Ellis-van Creveld Syndrome. Identifiers: Orphanet 289, MedGen C0013903, MONDO:0009162, OMIM 225500.
Curry-Hall syndrome (WAD). Also called: WEYERS ACRODENTAL DYSOSTOSIS. Identifiers: Orphanet 952, MedGen C0457013, MONDO:0008673, OMIM 193530.

Allele frequency attached by ClinVar (database versions not stated): TOPMed 0.00001; gnomAD 0.00003; 1000 Genomes Project 0.00020; 1000 Genomes Project 30x 0.00031.
gnomAD v4.1: 50 of 1,614,166 alleles (0.0031%); highest among the groups gnomAD compares: South Asian, 0.013%; 1 homozygote.

Submissions (4):

Ambry Genetics
Classification: Uncertain significance for Inborn genetic diseases. Last evaluated: 2024-01-03. Review status: criteria provided, single submitter. Criteria: Ambry Variant Classification Scheme 2023. Collection method: clinical testing. Allele origin: germline.

Labcorp Genetics (formerly Invitae), Labcorp
Classification: Uncertain significance for Curry-Hall syndrome; Ellis-van Creveld syndrome. Last evaluated: 2022-03-31. Review status: criteria provided, single submitter. Criteria: Invitae Variant Classification Sherloc (09022015). Collection method: clinical testing. Allele origin: germline.
Comment: This sequence change replaces proline, which is neutral and non-polar, with leucine, which is neutral and non-polar, at codon 551 of the EVC protein (p.Pro551Leu). The frequency data for this variant in the population databases is considered unreliable, as metrics indicate poor data quality at this position in the gnomAD database. This variant has not been reported in the literature in individuals affected with EVC-related conditions. ClinVar contains an entry for this variant (Variation ID: 497216). Algorithms developed to predict the effect of missense changes on protein structure and function output the following: SIFT: "Tolerated"; PolyPhen-2: "Benign"; Align-GVGD: "Class C0". The leucine amino acid residue is found in multiple mammalian species, which suggests that this missense change does not adversely affect protein function. In summary, the available evidence is currently insufficient to determine the role of this variant in disease. Therefore, it has been classified as a Variant of Uncertain Significance.

Eurofins Ntd Llc (ga)
Classification: Uncertain significance. Last evaluated: 2016-10-03. Review status: criteria provided, single submitter. Criteria: EGL Classification Definitions 2015. Collection method: clinical testing. Allele origin: germline. Observed: 1 variant allele, 1 heterozygote.

Natera, Inc.
Classification: Uncertain significance for Ellis-van Creveld syndrome. Last evaluated: 2019-10-28. Review status: no assertion criteria provided. Collection method: clinical testing. Allele origin: germline. Not counted in ClinVar's aggregate classification.